The following is an entry in ClinVar:

ClinVar aggregate classification (germline): Likely benign. Review status: criteria provided, multiple submitters, no conflicts (2 of 4 stars). 3 submissions from 3 submitters: Likely benign (2). 1 of the submissions does not count toward it. Last evaluated 2025-03-26.

Conditions:
KCNV2-related disorder. Also called: KCNV2-related condition.

Allele frequency attached by ClinVar (database versions not stated): ExAC 0.00002; gnomAD exomes 0.00002; 1000 Genomes Project 30x 0.00016; 1000 Genomes Project 0.00020.
gnomAD v4.1: 32 of 1,611,000 alleles (0.002%); highest among the groups gnomAD compares: African/African-American, 0.035%; no homozygotes.

Submissions (3):

Labcorp Genetics (formerly Invitae), Labcorp
Classification: Likely benign. Last evaluated: 2025-03-26. Review status: criteria provided, single submitter. Criteria: Invitae Variant Classification Sherloc (09022015). Collection method: clinical testing. Allele origin: germline.

Blueprint Genetics
Classification: Likely benign. Last evaluated: 2021-12-29. Review status: criteria provided, single submitter. Criteria: ACMG Guidelines, 2015. Collection method: clinical testing. Allele origin: germline.

PreventionGenetics, part of Exact Sciences
Classification: Likely benign for KCNV2-related condition. Last evaluated: 2019-08-08. Review status: no assertion criteria provided. Collection method: clinical testing. Allele origin: germline. Not counted in ClinVar's aggregate classification.
Comment: This variant is classified as likely benign based on ACMG/AMP sequence variant interpretation guidelines (Richards et al. 2015 PMID: 25741868, with internal and published modifications).

NM_133497.4(KCNV2):c.1341C>T (p.Ser447=)

Gene: KCNV2 (potassium voltage-gated channel modifier subfamily V member 2; plus strand). Cytogenetic location: 9p24.2.
Variant type: single nucleotide variant.
Coding change: c.1341C>T on transcript NM_133497.4 (MANE Select); coding-DNA position 1341, C replaced by T.
Protein change: p.Ser447=; no amino-acid change (serine 447 retained).
Molecular consequence: synonymous variant.
Genome position (GRCh38, 1-based): chr9:2,719,080, C>T. VCF-style: chr9-2719080-C-T. GRCh37 (hg19) VCF-style: chr9-2719080-C-T.
Other names: c.1341C>T (NM_133497.3).
Identifiers: ClinVar variation 1091309 (VCV001091309.10), dbSNP rs559765711, ClinGen allele CA4965860.